The following is an entry in ClinVar:

NM_058195.4(CDKN2A):c.149T>C (p.Leu50Pro)

Gene: CDKN2A (cyclin dependent kinase inhibitor 2A; minus strand). Cytogenetic location: 9p21.3.
Variant type: single nucleotide variant.
Coding change: c.149T>C on transcript NM_058195.4 (MANE Plus Clinical); coding-DNA position 149, T replaced by C.
Protein change: p.Leu50Pro; replaces leucine 50 with proline.
Molecular consequence: missense variant. On other transcripts: intron variant (1).
Genome position (GRCh38, 1-based): chr9:21,994,183, A>G on the plus strand (T>C on the coding strand, the complement: CDKN2A is on the minus strand). VCF-style: chr9-21994183-A-G. GRCh37 (hg19) VCF-style: chr9-21994182-A-G.
Other names: c.-4+638T>C (NM_001363763.2); short protein forms L50P.
Identifiers: ClinVar variation 1773966 (VCV001773966.2), dbSNP rs1554659181, ClinGen allele CA373086852.

ClinVar aggregate classification (germline): Uncertain significance (1 of 4 stars; one submission).

Conditions:
Hereditary cancer-predisposing syndrome. Also called: Hereditary neoplastic syndrome; Neoplastic Syndromes, Hereditary; Tumor predisposition; Hereditary Cancer Syndrome. Identifiers: Orphanet 140162, MedGen C0027672, MeSH D009386, MONDO:0015356.

Submission:

Ambry Genetics
Classification: Uncertain significance for Hereditary cancer-predisposing syndrome. Last evaluated: 2021-03-05. Review status: criteria provided, single submitter. Criteria: Ambry Variant Classification Scheme 2023. Collection method: clinical testing. Allele origin: germline.
Comment: The p.L50P variant (also known as c.149T>C), located in coding exon 1 of the CDKN2A gene, results from a T to C substitution at nucleotide position 149. The leucine at codon 50 is replaced by proline, an amino acid with similar properties. This amino acid position is well conserved in available vertebrate species. In addition, this alteration is predicted to be tolerated by in silico analysis. Since supporting evidence is limited at this time, the clinical significance of this alteration remains unclear.